The following is an entry in ClinVar:

ClinVar aggregate classification (germline): Pathogenic (1 of 4 stars; one submission).

Conditions:
Mowat-Wilson syndrome (MOWS). Also called: Classic Mowat-Wilson Syndrome. Identifiers: Orphanet 2152, MedGen C1856113, MONDO:0009341, OMIM 235730.

Submission:

Labcorp Genetics (formerly Invitae), Labcorp
Classification: Pathogenic for Mowat-Wilson syndrome. Last evaluated: 2021-12-25. Review status: criteria provided, single submitter. Criteria: Invitae Variant Classification Sherloc (09022015). Collection method: clinical testing. Allele origin: germline.
Comment: This sequence change creates a premature translational stop signal (p.Glu286Aspfs*12) in the ZEB2 gene. It is expected to result in an absent or disrupted protein product. Loss-of-function variants in ZEB2 are known to be pathogenic (PMID: 16053902). This variant is not present in population databases (gnomAD no frequency). This variant has not been reported in the literature in individuals affected with ZEB2-related conditions. For these reasons, this variant has been classified as Pathogenic.

Literature cited by the submitters: PubMed 16053902.

NM_014795.4(ZEB2):c.858del (p.Glu286fs)

Gene: ZEB2 (zinc finger E-box binding homeobox 2; minus strand). Cytogenetic location: 2q22.3.
Variant type: Deletion.
Coding change: c.858del on transcript NM_014795.4 (MANE Select); coding-DNA position 858, one base deleted (G; older notation c.858delG).
Protein change: p.Glu286fs; shifts the reading frame from glutamic acid 286.
Molecular consequence: frameshift variant.
Genome position (GRCh38, 1-based): chr2:144,401,257, C deleted on the plus strand (G on the coding strand, the reverse complement: ZEB2 is on the minus strand). VCF-style (leftmost placement, unchanged base first): chr2-144401256-AC-A. GRCh37 (hg19) VCF-style: chr2-145158823-AC-A.
Other names: c.786del, p.Glu262fs (NM_001171653.2); short protein forms E262fs, E286fs.
Identifiers: ClinVar variation 2059735 (VCV002059735.4), dbSNP rs2549107863, ClinGen allele CA2580063892.